The following is an entry in ClinVar:

NM_017946.4(FKBP14):c.520G>T (p.Val174Leu)

Genes: FKBP14 (FKBP prolyl isomerase 14; minus strand), FKBP14-AS1 (FKBP14 antisense RNA 1; plus strand). Cytogenetic location: 7p14.3.
Variant type: single nucleotide variant.
Coding change: c.520G>T on transcript NM_017946.4 (MANE Select); coding-DNA position 520, G replaced by T.
Protein change: p.Val174Leu; replaces valine 174 with leucine.
Molecular consequence: missense variant. On other transcripts: non-coding transcript variant (2).
Genome position (GRCh38, 1-based): chr7:30,014,851, C>A on the plus strand (G>T on the coding strand, the complement: FKBP14 is on the minus strand). VCF-style: chr7-30014851-C-A. GRCh37 (hg19) VCF-style: chr7-30054467-C-A.
Other names: short protein forms V174L.
Identifiers: ClinVar variation 3515486 (VCV003515486.1).

ClinVar aggregate classification (germline): Uncertain significance (1 of 4 stars; one submission).

Conditions:
Cardiovascular phenotype. Identifiers: MedGen CN230736.

Submission:

Ambry Genetics
Classification: Uncertain significance for Cardiovascular phenotype. Last evaluated: 2024-11-03. Review status: criteria provided, single submitter. Criteria: Ambry Variant Classification Scheme 2023. Collection method: clinical testing. Allele origin: germline.
Comment: The p.V174L variant (also known as c.520G>T), located in coding exon 4 of the FKBP14 gene, results from a G to T substitution at nucleotide position 520. The valine at codon 174 is replaced by leucine, an amino acid with highly similar properties. This amino acid position is conserved. In addition, this alteration is predicted to be tolerated by in silico analysis. Based on the available evidence, the clinical significance of this variant remains unclear.